The following is an entry in ClinVar:

NM_003072.5(SMARCA4):c.2293C>G (p.Leu765Val)

Gene: SMARCA4 (SWI/SNF related BAF chromatin remodeling complex subunit ATPase 4; plus strand). Cytogenetic location: 19p13.2.
Variant type: single nucleotide variant.
Coding change: c.2293C>G on transcript NM_003072.5 (MANE Select); coding-DNA position 2293, C replaced by G.
Protein change: p.Leu765Val; replaces leucine 765 with valine.
Molecular consequence: missense variant. On other transcripts: non-coding transcript variant (1).
Genome position (GRCh38, 1-based): chr19:11,012,967, C>G. VCF-style: chr19-11012967-C-G. GRCh37 (hg19) VCF-style: chr19-11123643-C-G.
Other names: c.2293C>G, p.Leu765Val (NM_001374457.1, NM_001387283.1, NM_001411150.1 and 6 more transcripts); short protein forms L765V.
Identifiers: ClinVar variation 4843571 (VCV004843571.1).

ClinVar aggregate classification (germline): Uncertain significance (1 of 4 stars; one submission).

Conditions:
Hereditary cancer-predisposing syndrome. Also called: Neoplastic Syndromes, Hereditary; Tumor predisposition; Hereditary Cancer Syndrome; Hereditary neoplastic syndrome. Identifiers: Orphanet 140162, MedGen C0027672, MeSH D009386, MONDO:0015356.

Submission:

Ambry Genetics
Classification: Uncertain significance for Hereditary cancer-predisposing syndrome. Last evaluated: 2025-12-29. Review status: criteria provided, single submitter. Criteria: Ambry Variant Classification Scheme 2023. Collection method: clinical testing. Allele origin: germline.
Comment: The p.L765V variant (also known as c.2293C>G), located in coding exon 15 of the SMARCA4 gene, results from a C to G substitution at nucleotide position 2293. The leucine at codon 765 is replaced by valine, an amino acid with highly similar properties. This amino acid position is conserved. In addition, the in silico prediction for this alteration is inconclusive. Based on the available evidence, the clinical significance of this variant remains unclear.